The following is an entry in ClinVar:

NM_004618.5(TOP3A):c.702G>A (p.Leu234=)

Gene: TOP3A (DNA topoisomerase III alpha; minus strand). Cytogenetic location: 17p11.2.
Variant type: single nucleotide variant.
Coding change: c.702G>A on transcript NM_004618.5 (MANE Select); coding-DNA position 702, G replaced by A.
Protein change: p.Leu234=; no amino-acid change (leucine 234 retained).
Molecular consequence: synonymous variant.
Genome position (GRCh38, 1-based): chr17:18,302,376, C>T on the plus strand (G>A on the coding strand, the complement: TOP3A is on the minus strand). VCF-style: chr17-18302376-C-T. GRCh37 (hg19) VCF-style: chr17-18205690-C-T.
Other names: c.702G>A (NM_004618.4); c.417G>A, p.Leu139= (NM_001320759.2).
Identifiers: ClinVar variation 2065780 (VCV002065780.6), dbSNP rs140948826, ClinGen allele CA8430145.

ClinVar aggregate classification (germline): Likely benign. Review status: criteria provided, single submitter (1 of 4 stars). 2 submissions from 2 submitters: Likely benign (1). 1 of the submissions does not count toward it. Last evaluated 2025-03-31.

Conditions:
TOP3A-related disorder. Also called: TOP3A-related disorders; TOP3A-related condition.

Allele frequency attached by ClinVar (database versions not stated): gnomAD exomes 0.00003; ExAC 0.00011; 1000 Genomes Project 30x 0.00016; 1000 Genomes Project 0.00020; gnomAD 0.00030; ESP Exome Variant Server 0.00031; TOPMed 0.00032.

Submissions (2):

Labcorp Genetics (formerly Invitae), Labcorp
Classification: Likely benign. Last evaluated: 2025-03-31. Review status: criteria provided, single submitter. Criteria: Invitae Variant Classification Sherloc (09022015). Collection method: clinical testing. Allele origin: germline.

PreventionGenetics, part of Exact Sciences
Classification: Likely benign for TOP3A-related condition. Last evaluated: 2021-10-18. Review status: no assertion criteria provided. Collection method: clinical testing. Allele origin: germline. Not counted in ClinVar's aggregate classification.
Comment: This variant is classified as likely benign based on ACMG/AMP sequence variant interpretation guidelines (Richards et al. 2015 PMID: 25741868, with internal and published modifications).